The following is an entry in ClinVar:

NM_001447.3(FAT2):c.2515A>G (p.Ile839Val)

Gene: FAT2 (FAT atypical cadherin 2; minus strand). Cytogenetic location: 5q33.1.
Variant type: single nucleotide variant.
Coding change: c.2515A>G on transcript NM_001447.3 (MANE Select); coding-DNA position 2515, A replaced by G.
Protein change: p.Ile839Val; replaces isoleucine 839 with valine.
Molecular consequence: missense variant.
Genome position (GRCh38, 1-based): chr5:151,566,417, T>C on the plus strand (A>G on the coding strand, the complement: FAT2 is on the minus strand). VCF-style: chr5-151566417-T-C. GRCh37 (hg19) VCF-style: chr5-150945978-T-C.
Other names: short protein forms I839V.
Identifiers: ClinVar variation 2457334 (VCV002457334.5), dbSNP rs756275304, ClinGen allele CA3522053.

ClinVar aggregate classification (germline): Conflicting classifications of pathogenicity. Review status: criteria provided, conflicting classifications (1 of 4 stars). 2 submissions from 2 submitters: Uncertain significance (1); Likely benign (1). Last evaluated 2023-01-23.

Allele frequency attached by ClinVar (database versions not stated): gnomAD exomes below 0.00001; ExAC 0.00001; gnomAD 0.00001.
gnomAD v4.1: 8 of 1,613,636 alleles (0.0005%); highest among the groups gnomAD compares: South Asian, 0.0022%; no homozygotes.

Submissions (2):

Ambry Genetics
Classification: Likely benign. Last evaluated: 2023-01-23. Review status: criteria provided, single submitter. Criteria: Ambry Variant Classification Scheme 2023. Collection method: clinical testing. Allele origin: germline.

Labcorp Genetics (formerly Invitae), Labcorp
Classification: Uncertain significance. Last evaluated: 2023-01-15. Review status: criteria provided, single submitter. Criteria: Invitae Variant Classification Sherloc (09022015). Collection method: clinical testing. Allele origin: germline.
Comment: This variant is present in population databases (rs756275304, gnomAD 0.003%). In summary, the available evidence is currently insufficient to determine the role of this variant in disease. Therefore, it has been classified as a Variant of Uncertain Significance. Algorithms developed to predict the effect of missense changes on protein structure and function output the following: SIFT: "Tolerated"; PolyPhen-2: "Benign"; Align-GVGD: "Class C0". The valine amino acid residue is found in multiple mammalian species, which suggests that this missense change does not adversely affect protein function. This variant has not been reported in the literature in individuals affected with FAT2-related conditions. This sequence change replaces isoleucine, which is neutral and non-polar, with valine, which is neutral and non-polar, at codon 839 of the FAT2 protein (p.Ile839Val).